The following is an entry in ClinVar:

NM_000153.4(GALC):c.120C>T (p.Gly40=)

Gene: GALC (galactosylceramidase; minus strand). Cytogenetic location: 14q31.3.
Variant type: single nucleotide variant.
Coding change: c.120C>T on transcript NM_000153.4 (MANE Select); coding-DNA position 120, C replaced by T.
Protein change: p.Gly40=; no amino-acid change (glycine 40 retained).
Molecular consequence: synonymous variant. On other transcripts: intron variant (1).
Genome position (GRCh38, 1-based): chr14:87,993,045, G>A on the plus strand (C>T on the coding strand, the complement: GALC is on the minus strand). VCF-style: chr14-87993045-G-A. GRCh37 (hg19) VCF-style: chr14-88459389-G-A.
Other names: p.Gly40=; c.120C>T, p.Gly40= (NM_001201401.2); c.117+338C>T (NM_001201402.2).
Identifiers: ClinVar variation 777069 (VCV000777069.18), dbSNP rs532800656, ClinGen allele CA265469448.

ClinVar aggregate classification (germline): Conflicting classifications of pathogenicity. Review status: criteria provided, conflicting classifications (1 of 4 stars). 5 submissions from 5 submitters: Uncertain significance (1); Likely benign (3). 1 of the submissions does not count toward it. Last evaluated 2026-01-09.

Conditions:
Galactosylceramide beta-galactosidase deficiency. Also called: GALACTOCEREBROSIDASE DEFICIENCY; GALC DEFICIENCY; GLOBOID CELL LEUKOENCEPHALOPATHY; Krabbe Disease; Leukodystrophy, Globoid Cell. Identifiers: Orphanet 487, MedGen C0023521, MONDO:0009499, OMIM 245200.

Allele frequency attached by ClinVar (database versions not stated): TOPMed 0.00001; gnomAD exomes 0.00003; gnomAD 0.00006 and 0.00007; 1000 Genomes Project 30x 0.00016.
gnomAD v4.1: 73 of 1,556,094 alleles (0.0047%); highest among the groups gnomAD compares: Middle Eastern, 0.18%; 1 homozygote.

Submissions (5):

Labcorp Genetics (formerly Invitae), Labcorp
Classification: Likely benign for Galactosylceramide beta-galactosidase deficiency. Last evaluated: 2026-01-09. Review status: criteria provided, single submitter. Criteria: Invitae Variant Classification Sherloc (09022015). Collection method: clinical testing. Allele origin: germline.

Mayo Clinic Laboratories, Mayo Clinic
Classification: Likely benign. Last evaluated: 2024-11-18. Review status: criteria provided, single submitter. Criteria: ACMG Guidelines, 2015. Collection method: clinical testing. Allele origin: germline. Observed: 1 variant allele.
Comment: BP4, BP7

Blueprint Genetics
Classification: Likely benign. Last evaluated: 2024-10-07. Review status: criteria provided, single submitter. Criteria: ACMG Guidelines, 2015. Collection method: clinical testing. Allele origin: germline.

Illumina Laboratory Services, Illumina
Classification: Uncertain significance for Galactosylceramide beta-galactosidase deficiency. Last evaluated: 2017-04-27. Review status: criteria provided, single submitter. Criteria: ICSL Variant Classification Criteria 13 December 2019. Collection method: clinical testing. Allele origin: germline.

Natera, Inc.
Classification: Uncertain significance for Galactosylceramide beta-galactosidase deficiency. Last evaluated: 2020-04-18. Review status: no assertion criteria provided. Collection method: clinical testing. Allele origin: germline. Not counted in ClinVar's aggregate classification.